The following is an entry in ClinVar:

NM_015102.5(NPHP4):c.3121T>C (p.Phe1041Leu)

Gene: NPHP4 (nephrocystin 4; minus strand). Cytogenetic location: 1p36.31.
Variant type: single nucleotide variant.
Coding change: c.3121T>C on transcript NM_015102.5 (MANE Select); coding-DNA position 3121, T replaced by C.
Protein change: p.Phe1041Leu; replaces phenylalanine 1041 with leucine.
Molecular consequence: missense variant. On other transcripts: non-coding transcript variant (1).
Genome position (GRCh38, 1-based): chr1:5,874,581, A>G on the plus strand (T>C on the coding strand, the complement: NPHP4 is on the minus strand). VCF-style: chr1-5874581-A-G. GRCh37 (hg19) VCF-style: chr1-5934641-A-G.
Other names: c.1582T>C, p.Phe528Leu (NM_001291593.2); c.1585T>C, p.Phe529Leu (NM_001291594.2); c.3121T>C (NM_015102.4); short protein forms F529L, F528L, F1041L.
Identifiers: ClinVar variation 1981868 (VCV001981868.5), dbSNP rs1642364275, ClinGen allele CA338055760.
Genomic context (GRCh38, chr1:5,874,581, plus strand): 5'-CGTGGGCGGTCTCGTGGGGGCGCAGGTAGAGCTGGGGGGCCAGGCTGCCACGCAGGTGGA[A>G]CATGTCCTCCTCCACCGGTGTGTGCAGGCCAGCAGCACCCTTGAAGTCCCTCCACTCCTG-3'
Protein context (NP_055917.1, residues 1031-1051): GLHTPVEEDM[Phe1041Leu]HLRGSLAPQL

ClinVar aggregate classification (germline): Uncertain significance. Review status: criteria provided, multiple submitters, no conflicts (2 of 4 stars). 2 submissions from 2 submitters: Uncertain significance (2). Last evaluated 2026-07-05.

Conditions:
NPHP4-related disorder. Also called: NPHP4-related disorders; NPHP4-related condition. Identifiers: MedGen CN239384.
Nephronophthisis. Also called: Juvenile Nephronophthisis. Identifiers: Orphanet 655, MedGen C0687120, MONDO:0019005, HP:0000090.

Allele frequency attached by ClinVar (database versions not stated): TOPMed below 0.00001.

Submissions (2):

PreventionGenetics, part of Exact Sciences
Classification: Uncertain significance for NPHP4-related condition. Last evaluated: 2026-07-05. Review status: criteria provided, single submitter. Criteria: ACMG Guidelines, 2015. Collection method: clinical testing. Allele origin: germline.
Comment: The NPHP4 c.3121T>C variant is predicted to result in the amino acid substitution p.Phe1041Leu. To our knowledge, this variant has not been reported in the literature or in a large population database (gnomAD), indicating this variant is rare. At this time, the clinical significance of this variant is uncertain due to the absence of conclusive functional and genetic evidence.

Labcorp Genetics (formerly Invitae), Labcorp
Classification: Uncertain significance for Nephronophthisis. Last evaluated: 2022-03-27. Review status: criteria provided, single submitter. Criteria: Invitae Variant Classification Sherloc (09022015). Collection method: clinical testing. Allele origin: germline.
Comment: In summary, the available evidence is currently insufficient to determine the role of this variant in disease. Therefore, it has been classified as a Variant of Uncertain Significance. Algorithms developed to predict the effect of missense changes on protein structure and function are either unavailable or do not agree on the potential impact of this missense change (SIFT: "Tolerated"; PolyPhen-2: "Probably Damaging"; Align-GVGD: "Class C0"). This variant has not been reported in the literature in individuals affected with NPHP4-related conditions. This variant is not present in population databases (gnomAD no frequency). This sequence change replaces phenylalanine, which is neutral and non-polar, with leucine, which is neutral and non-polar, at codon 1041 of the NPHP4 protein (p.Phe1041Leu).